The following is an entry in ClinVar:

ClinVar aggregate classification (germline): Uncertain significance (1 of 4 stars; one submission).

Submission:

Labcorp Genetics (formerly Invitae), Labcorp
Classification: Uncertain significance. Last evaluated: 2022-12-06. Review status: criteria provided, single submitter. Criteria: Invitae Variant Classification Sherloc (09022015). Collection method: clinical testing. Allele origin: germline.
Comment: This sequence change replaces alanine, which is neutral and non-polar, with valine, which is neutral and non-polar, at codon 1112 of the LTBP2 protein (p.Ala1112Val). This variant is not present in population databases (gnomAD no frequency). This variant has not been reported in the literature in individuals affected with LTBP2-related conditions. ClinVar contains an entry for this variant (Variation ID: 1393618). Algorithms developed to predict the effect of missense changes on protein structure and function output the following: SIFT: "Tolerated"; PolyPhen-2: "Benign"; Align-GVGD: "Class C0". The valine amino acid residue is found in multiple mammalian species, which suggests that this missense change does not adversely affect protein function. In summary, the available evidence is currently insufficient to determine the role of this variant in disease. Therefore, it has been classified as a Variant of Uncertain Significance.

NM_000428.3(LTBP2):c.3335C>T (p.Ala1112Val)

Gene: LTBP2 (latent transforming growth factor beta binding protein 2; minus strand). Cytogenetic location: 14q24.3.
Variant type: single nucleotide variant.
Coding change: c.3335C>T on transcript NM_000428.3 (MANE Select); coding-DNA position 3335, C replaced by T.
Protein change: p.Ala1112Val; replaces alanine 1112 with valine.
Molecular consequence: missense variant.
Genome position (GRCh38, 1-based): chr14:74,509,306, G>A on the plus strand (C>T on the coding strand, the complement: LTBP2 is on the minus strand). VCF-style: chr14-74509306-G-A. GRCh37 (hg19) VCF-style: chr14-74976009-G-A.
Other names: short protein forms A1112V.
Identifiers: ClinVar variation 1393618 (VCV001393618.5), dbSNP rs2139695939, ClinGen allele CA390389251.